The following is an entry in ClinVar:

NM_206933.4(USH2A):c.6448G>T (p.Val2150Phe)

Gene: USH2A (usherin; minus strand). Cytogenetic location: 1q41.
Variant type: single nucleotide variant.
Coding change: c.6448G>T on transcript NM_206933.4 (MANE Select); coding-DNA position 6448, G replaced by T.
Protein change: p.Val2150Phe; replaces valine 2150 with phenylalanine.
Molecular consequence: missense variant.
Genome position (GRCh38, 1-based): chr1:216,000,440, C>A on the plus strand (G>T on the coding strand, the complement: USH2A is on the minus strand). VCF-style: chr1-216000440-C-A. GRCh37 (hg19) VCF-style: chr1-216173782-C-A.
Other names: short protein forms V2150F.
Identifiers: ClinVar variation 839115 (VCV000839115.8), dbSNP rs756234447, ClinGen allele CA1395142.

ClinVar aggregate classification (germline): Uncertain significance. Review status: criteria provided, multiple submitters, no conflicts (2 of 4 stars). 6 submissions from 5 submitters: Uncertain significance (5). 1 of the submissions does not count toward it. Last evaluated 2025-11-05.

Conditions:
Usher syndrome type 2A. Also called: RETINAL DISEASE IN USHER SYNDROME TYPE IIA, MODIFIER OF; USHER SYNDROME, TYPE IIA. Identifiers: Orphanet 231178, Orphanet 886, MedGen C1848634, MONDO:0010169, OMIM 276901.
Retinitis pigmentosa 39 (RP39). Identifiers: Orphanet 791, MedGen C3151138, MONDO:0013436, OMIM 613809.
Inborn genetic diseases. Identifiers: MedGen C0950123, MeSH D030342.

Allele frequency attached by ClinVar (database versions not stated): TOPMed 0.00002; gnomAD exomes below 0.00001 and 0.00001; ExAC 0.00001; gnomAD 0.00002.
gnomAD v4.1: 5 of 1,613,528 alleles (0.00031%); highest among the groups gnomAD compares: African/African-American, 0.0067%; no homozygotes.

Submissions (6):

Ambry Genetics
Classification: Uncertain significance for Inborn genetic diseases. Last evaluated: 2025-11-05. Review status: criteria provided, single submitter. Criteria: Ambry Variant Classification Scheme 2023. Collection method: clinical testing. Allele origin: germline.

Genome-Nilou Lab
Classification: Uncertain significance for Retinitis pigmentosa 39. Last evaluated: 2023-11-04. Review status: criteria provided, single submitter. Criteria: ACMG Guidelines, 2015. Collection method: clinical testing. Allele origin: germline. Affected: no.

Genome-Nilou Lab
Classification: Uncertain significance for Usher syndrome type 2A. Last evaluated: 2023-11-04. Review status: criteria provided, single submitter. Criteria: ACMG Guidelines, 2015. Collection method: clinical testing. Allele origin: germline. Affected: no.

GeneDx
Classification: Uncertain significance. Last evaluated: 2022-10-27. Review status: criteria provided, single submitter. Criteria: GeneDx Variant Classification Process June 2021. Collection method: clinical testing. Allele origin: germline. Affected: yes.
Comment: In silico analysis supports that this missense variant does not alter protein structure/function; Has not been previously published as pathogenic or benign to our knowledge

Labcorp Genetics (formerly Invitae), Labcorp
Classification: Uncertain significance. Last evaluated: 2021-12-09. Review status: criteria provided, single submitter. Criteria: Invitae Variant Classification Sherloc (09022015). Collection method: clinical testing. Allele origin: germline.
Comment: This sequence change replaces valine, which is neutral and non-polar, with phenylalanine, which is neutral and non-polar, at codon 2150 of the USH2A protein (p.Val2150Phe). This variant is present in population databases (rs756234447, gnomAD 0.02%). This variant has not been reported in the literature in individuals affected with USH2A-related conditions. ClinVar contains an entry for this variant (Variation ID: 839115). Algorithms developed to predict the effect of missense changes on protein structure and function (SIFT, PolyPhen-2, Align-GVGD) all suggest that this variant is likely to be tolerated. In summary, the available evidence is currently insufficient to determine the role of this variant in disease. Therefore, it has been classified as a Variant of Uncertain Significance.

Natera, Inc.
Classification: Uncertain significance for Usher syndrome type 2A. Last evaluated: 2020-11-10. Review status: no assertion criteria provided. Collection method: clinical testing. Allele origin: germline. Not counted in ClinVar's aggregate classification.